The following is an entry in ClinVar:

NM_000256.3(MYBPC3):c.2849C>A (p.Ala950Glu)

Gene: MYBPC3 (myosin binding protein C3; minus strand). Cytogenetic location: 11p11.2.
Variant type: single nucleotide variant.
Coding change: c.2849C>A on transcript NM_000256.3 (MANE Select); coding-DNA position 2849, C replaced by A.
Protein change: p.Ala950Glu; replaces alanine 950 with glutamic acid.
Molecular consequence: missense variant.
Genome position (GRCh38, 1-based): chr11:47,335,098, G>T on the plus strand (C>A on the coding strand, the complement: MYBPC3 is on the minus strand). VCF-style: chr11-47335098-G-T. GRCh37 (hg19) VCF-style: chr11-47356649-G-T.
Other names: short protein forms A950E.
Identifiers: ClinVar variation 1330863 (VCV001330863.13), dbSNP rs730880577, ClinGen allele CA380316292.
Genomic context (GRCh38, chr11:47,335,098, plus strand): 5'-TCACGCAGGATCTCCTGCACTGTCACCGGCTCCGTGGTGGTAACAGGGGCTCCAGGCCCT[G>T]CCATATTGTGTGCCCGCACTCGGAAAAGCAGCCGGGCCCCCGTGGGCAGGTCCTTCACCA-3'
Protein context (NP_000247.2, residues 940-960): LLFRVRAHNM[Ala950Glu]GPGAPVTTTE

ClinVar aggregate classification (germline): Uncertain significance. Review status: criteria provided, multiple submitters, no conflicts (2 of 4 stars). 4 submissions from 4 submitters: Uncertain significance (4). Last evaluated 2024-09-19.

Conditions:
Cardiomyopathy (CMYO). Also called: Cardiomyopathies. Identifiers: Orphanet 167848, MedGen C0878544, MONDO:0004994, HP:0001638. Inheritance: Various modes of inheritance.
Cardiovascular phenotype. Identifiers: MedGen CN230736.
Hypertrophic cardiomyopathy 4. Also called: Familial hypertrophic cardiomyopathy 4. Identifiers: MedGen C1861862, MONDO:0007268, OMIM 115197.
Left ventricular noncompaction 10 (LVNC10). Identifiers: Orphanet 154, Orphanet 54260, MedGen C3715165, MONDO:0014163, OMIM 615396.

Allele frequency attached by ClinVar (database versions not stated): gnomAD 0.00001; TOPMed 0.00001.
gnomAD v4.1: 2 of 1,609,496 alleles (0.00012%); highest among the groups gnomAD compares: Non-Finnish European, 0.00017%; no homozygotes.

Submissions (4):

Ambry Genetics
Classification: Uncertain significance for Cardiovascular phenotype. Last evaluated: 2024-09-19. Review status: criteria provided, single submitter. Criteria: Ambry Variant Classification Scheme 2023. Collection method: clinical testing. Allele origin: germline.
Comment: The p.A950E variant (also known as c.2849C>A), located in coding exon 27 of the MYBPC3 gene, results from a C to A substitution at nucleotide position 2849. The alanine at codon 950 is replaced by glutamic acid, an amino acid with dissimilar properties. This amino acid position is highly conserved in available vertebrate species. In addition, this alteration is predicted to be deleterious by in silico analysis. Based on the available evidence, the clinical significance of this variant remains unclear.

Color Diagnostics, LLC DBA Color Health
Classification: Uncertain significance for Cardiomyopathy. Last evaluated: 2023-11-15. Review status: criteria provided, single submitter. Criteria: ACMG Guidelines, 2015. Collection method: clinical testing. Allele origin: germline.
Comment: This missense variant replaces alanine with glutamic acid at codon 950 of the MYBPC3 protein. Computational prediction is inconclusive regarding the impact of this variant on protein structure and function. To our knowledge, functional studies have not been reported for this variant. This variant has not been reported in individuals affected with MYBPC3-related disorders in the literature. This variant has not been identified in the general population by the Genome Aggregation Database (gnomAD). The available evidence is insufficient to determine the role of this variant in disease conclusively. Therefore, this variant is classified as a Variant of Uncertain Significance.

ARUP Laboratories, Molecular Genetics and Genomics, ARUP Laboratories
Classification: Uncertain significance. Last evaluated: 2022-05-03. Review status: criteria provided, single submitter. Criteria: ARUP Molecular Germline Variant Investigation Process 2021. Collection method: clinical testing. Allele origin: germline.
Comment: The MYBPC3 c.2849C>A; p.Ala950Glu variant (rs730880577), to our knowledge, is not reported in the medical literature or gene specific databases. A different MYBPC3 variant has been identified in an adult hypertrophic cardiomyopathy patient at the same alanine at codon 950 (p.Ala950Val)(Coppini, 2014). This variant is not reported in ClinVar and is absent from Genome Aggregation Database, indicating it is not a common polymorphism. The alanine at codon 950 is highly conserved, but computational analyses are uncertain whether this variant is neutral or deleterious (REVEL: 0.632). Due to limited information, the clinical significance of the p.Ala950Glu variant is uncertain at this time. References: Coppini R, et al. Clinical phenotype and outcome of hypertrophic cardiomyopathy associated with thin-filament gene mutations. J Am Coll Cardiol. 2014 Dec 23;64(24):2589-2600 PMID: 25524337

Fulgent Genetics
Classification: Uncertain significance for Hypertrophic cardiomyopathy 4; Left ventricular noncompaction 10. Last evaluated: 2021-09-18. Review status: criteria provided, single submitter. Criteria: ACMG Guidelines, 2015. Collection method: clinical testing. Allele origin: unknown.